The following is an entry in ClinVar:

NM_000166.6(GJB1):c.542T>C (p.Val181Ala)

Gene: GJB1 (gap junction protein beta 1; plus strand). Cytogenetic location: Xq13.1.
Variant type: single nucleotide variant.
Coding change: c.542T>C on transcript NM_000166.6 (MANE Select); coding-DNA position 542, T replaced by C.
Protein change: p.Val181Ala; replaces valine 181 with alanine.
Molecular consequence: missense variant.
Genome position (GRCh38, 1-based): chrX:71,224,249, T>C. VCF-style: chrX-71224249-T-C. GRCh37 (hg19) VCF-style: chrX-70444099-T-C.
Other names: c.542T>C, p.Val181Ala (NM_001097642.3); short protein forms V181A.
Identifiers: ClinVar variation 637559 (VCV000637559.9), dbSNP rs876661252, ClinGen allele CA413503078.

ClinVar aggregate classification (germline): Uncertain significance. Review status: criteria provided, single submitter (1 of 4 stars). 2 submissions from 2 submitters: Uncertain significance (1). 1 of the submissions does not count toward it. Last evaluated 2020-05-15.

Conditions:
Charcot-Marie-Tooth Neuropathy X. Identifiers: MedGen CN118851.
Charcot-Marie-Tooth disease. Also called: Charcot-Marie-Tooth Hereditary Neuropathy; Charcot-Marie-Tooth Neuropathy. Identifiers: Orphanet 166, MedGen C0007959, MONDO:0015626.

Submissions (2):

Labcorp Genetics (formerly Invitae), Labcorp
Classification: Uncertain significance for Charcot-Marie-Tooth Neuropathy X. Last evaluated: 2020-05-15. Review status: criteria provided, single submitter. Criteria: Invitae Variant Classification Sherloc (09022015). Collection method: clinical testing. Allele origin: germline.
Comment: This sequence change replaces valine with alanine at codon 181 of the GJB1 protein (p.Val181Ala). The valine residue is highly conserved and there is a small physicochemical difference between valine and alanine. In summary, the available evidence is currently insufficient to determine the role of this variant in disease. Therefore, it has been classified as a Variant of Uncertain Significance. This variant disrupts the p.Val181 amino acid residue in GJB1. Other variant(s) that disrupt this residue have been determined to be pathogenic (PMID: 9361298, 17100997, 19259128, 21692908, 25947624). This suggests that this residue is clinically significant, and that variants that disrupt this residue are likely to be disease-causing. This variant has been reported to affect GJB1 protein function (PMID: 14627639). This variant has been observed in individual(s) with Charcot-Marie-Tooth disease (PMID: 14627639). ClinVar contains an entry for this variant (Variation ID: 637559). This variant is not present in population databases (ExAC no frequency).

Inherited Neuropathy Consortium
Classification: Uncertain significance for Charcot-Marie-Tooth disease. Review status: no assertion criteria provided. Collection method: literature only. Allele origin: germline. Affected: yes. Not counted in ClinVar's aggregate classification.

Literature cited by the submitters: PubMed 9361298 (cited by Labcorp Genetics (formerly Invitae), Labcorp); PubMed 17100997 (cited by Labcorp Genetics (formerly Invitae), Labcorp); PubMed 19259128 (cited by Labcorp Genetics (formerly Invitae), Labcorp); PubMed 21692908 (cited by Labcorp Genetics (formerly Invitae), Labcorp); PubMed 25947624 (cited by Labcorp Genetics (formerly Invitae), Labcorp); PubMed 14627639 (cited by Labcorp Genetics (formerly Invitae), Labcorp and Inherited Neuropathy Consortium).